The following is an entry in ClinVar:

NM_001148.6(ANK2):c.8546C>T (p.Ser2849Phe)

Gene: ANK2 (ankyrin 2; plus strand). Cytogenetic location: 4q26.
Variant type: single nucleotide variant.
Coding change: c.8546C>T on transcript NM_001148.6 (MANE Select); coding-DNA position 8546, C replaced by T.
Protein change: p.Ser2849Phe; replaces serine 2849 with phenylalanine.
Molecular consequence: missense variant. On other transcripts: intron variant (68).
Genome position (GRCh38, 1-based): chr4:113,357,164, C>T. VCF-style: chr4-113357164-C-T. GRCh37 (hg19) VCF-style: chr4-114278320-C-T.
Other names: c.8312C>T, p.Ser2771Phe (NM_001386142.1); c.4946C>T, p.Ser1649Phe (NM_001386166.1); c.8687C>T, p.Ser2896Phe (NM_001386174.1); c.8663C>T, p.Ser2888Phe (NM_001386175.1); c.4412-3659C>T (NM_001386186.2, NM_001386148.2); c.4214-3659C>T (NM_001354269.3); c.4292-3659C>T (NM_001386187.2); c.4253-3659C>T (NM_001386147.1); and 35 more; short protein forms S1649F, S2771F, S2849F, S2888F, S2896F.
Identifiers: ClinVar variation 4538970 (VCV004538970.1).
Genomic context (GRCh38, chr4:113,357,164, plus strand): 5'-TTTCTAGAGCAGAATCTCCACAAGCAGATTGCCCCAGTGAAAGCTTTTCATCTTCATCCT[C>T]TTTGCCTCATTGTTTGGTATCTGAAGGAAAAGAATTAGATGAAGACATATCTGCCACATC-3'
Protein context (NP_001139.3, residues 2839-2859): CPSESFSSSS[Ser2849Phe]LPHCLVSEGK

ClinVar aggregate classification (germline): Uncertain significance (1 of 4 stars; one submission).

gnomAD v4.1: 3 of 1,614,158 alleles (0.00019%); highest among the groups gnomAD compares: Non-Finnish European, 0.00025%; no homozygotes.

Submission:

GeneDx
Classification: Uncertain significance. Last evaluated: 2025-06-21. Review status: criteria provided, single submitter. Criteria: GeneDx Variant Classification Process June 2021. Collection method: clinical testing. Allele origin: germline. Affected: yes.
Comment: Not observed at significant frequency in large population cohorts (gnomAD); In silico analysis suggests that this missense variant does not alter protein structure/function; Has not been previously published as pathogenic or benign to our knowledge